The following is an entry in ClinVar:

NM_000337.6(SGCD):c.497T>G (p.Val166Gly)

Gene: SGCD (sarcoglycan delta; plus strand). Cytogenetic location: 5q33.3.
Variant type: single nucleotide variant.
Coding change: c.497T>G on transcript NM_000337.6 (MANE Select); coding-DNA position 497, T replaced by G.
Protein change: p.Val166Gly; replaces valine 166 with glycine.
Molecular consequence: missense variant.
Genome position (GRCh38, 1-based): chr5:156,595,046, T>G. VCF-style: chr5-156595046-T-G. GRCh37 (hg19) VCF-style: chr5-156022056-T-G.
Other names: c.494T>G, p.Val165Gly (NM_001128209.2); c.497T>G, p.Val166Gly (NM_172244.3); short protein forms V165G, V166G.
Identifiers: ClinVar variation 3336163 (VCV003336163.1).

ClinVar aggregate classification (germline): Uncertain significance (1 of 4 stars; one submission).

Submission:

Women's Health and Genetics/Laboratory Corporation of America, LabCorp
Classification: Uncertain significance. Last evaluated: 2024-05-06. Review status: criteria provided, single submitter. Criteria: LabCorp Variant Classification Summary - May 2015. Collection method: clinical testing. Allele origin: germline.
Comment: Variant summary: SGCD c.497T>G (p.Val166Gly) results in a non-conservative amino acid change in the encoded protein sequence. Five of five in-silico tools predict a damaging effect of the variant on protein function. The variant was absent in 245496 control chromosomes. The available data on variant occurrences in the general population are insufficient to allow any conclusion about variant significance. c.497T>G has been reported in the literature in an individual affected with Limb-Girdle Muscular Dystrophy, Autosomal Recessive; however, this patient was also homozygous for a pathogenic variant in the SH3TC2 gene (c.2860C>T; p.Arg954Ter), providing supporting evidence for a benign role (Bardhan_2022). To our knowledge, no experimental evidence demonstrating an impact on protein function has been reported. The following publication has been ascertained in the context of this evaluation (PMID: 35416532). No submitters have cited clinical-significance assessments for this variant to ClinVar. Based on the evidence outlined above, the variant was classified as uncertain significance.

Literature cited by the submitters: PubMed 35416532.